The following is an entry in ClinVar:

NM_007294.4(BRCA1):c.4254A>T (p.Leu1418Phe)

Gene: BRCA1 (BRCA1 DNA repair associated; minus strand). Cytogenetic location: 17q21.31.
Variant type: single nucleotide variant.
Coding change: c.4254A>T on transcript NM_007294.4 (MANE Select); coding-DNA position 4254, A replaced by T.
Protein change: p.Leu1418Phe; replaces leucine 1418 with phenylalanine.
Molecular consequence: missense variant. On other transcripts: non-coding transcript variant (1).
Genome position (GRCh38, 1-based): chr17:43,082,507, T>A on the plus strand (A>T on the coding strand, the complement: BRCA1 is on the minus strand). VCF-style: chr17-43082507-T-A. GRCh37 (hg19) VCF-style: chr17-41234524-T-A.
Other names: c.4131A>T, p.Leu1377Phe (NM_001407678.1, NM_001407679.1, NM_001407680.1 and 13 more transcripts); c.825A>T, p.Leu275Phe (NM_001408421.1, NM_001408424.1, NM_001408431.1); c.822A>T, p.Leu274Phe (NM_001408425.1, NM_001408427.1, NM_001408430.1 and 8 more transcripts); c.828A>T, p.Leu276Phe (NM_001408423.1, NM_001408422.1, NM_001408418.1 and 2 more transcripts); c.4128A>T, p.Leu1376Phe (NM_001407681.1, NM_001407683.1, NM_001407688.1 and 12 more transcripts); c.4254A>T, p.Leu1418Phe (NM_001407684.1, NM_001407602.1, NM_001407603.1 and 23 more transcripts); c.4125A>T, p.Leu1375Phe (NM_001407685.1, NM_001407686.1, NM_001407687.1 and 2 more transcripts); c.4251A>T, p.Leu1417Phe (NM_001407610.1, NM_001407611.1, NM_001407612.1 and 21 more transcripts); and 51 more; short protein forms L1418F, L1371F, L315F, L1291F, L1348F, L1370F, L1392F, L1416F.
Identifiers: ClinVar variation 441391 (VCV000441391.6), dbSNP rs1555584157, ClinGen allele CA10593213.

ClinVar aggregate classification (germline): Uncertain significance (1 of 4 stars; one submission).

Conditions:
Hereditary cancer-predisposing syndrome. Also called: Hereditary Cancer Syndrome; Hereditary neoplastic syndrome; Neoplastic Syndromes, Hereditary; Tumor predisposition. Identifiers: Orphanet 140162, MedGen C0027672, MeSH D009386, MONDO:0015356.

Submission:

Ambry Genetics
Classification: Uncertain significance for Hereditary cancer-predisposing syndrome. Last evaluated: 2016-12-27. Review status: criteria provided, single submitter. Criteria: Ambry Variant Classification Scheme 2023. Collection method: clinical testing. Allele origin: germline.
Comment: The p.L1418F variant (also known as c.4254A>T), located in coding exon 11 of the BRCA1 gene, results from an A to T substitution at nucleotide position 4254. The leucine at codon 1418 is replaced by phenylalanine, an amino acid with highly similar properties. This amino acid position is highly conserved in available vertebrate species. In addition, the in silico prediction for this alteration is inconclusive. Since supporting evidence is limited at this time, the clinical significance of this alteration remains unclear.